The following is an entry in ClinVar:

ClinVar aggregate classification (germline): Uncertain significance. Review status: criteria provided, multiple submitters, no conflicts (2 of 4 stars). 2 submissions from 2 submitters: Uncertain significance (2). Last evaluated 2023-01-11.

Allele frequency attached by ClinVar (database versions not stated): gnomAD exomes below 0.00001 and 0.00001.
gnomAD v4.1: 8 of 1,568,664 alleles (0.00051%); highest among the groups gnomAD compares: Non-Finnish European, 0.00069%; no homozygotes.

Submissions (2):

GeneDx
Classification: Uncertain significance. Last evaluated: 2023-01-11. Review status: criteria provided, single submitter. Criteria: GeneDx Variant Classification Process June 2021. Collection method: clinical testing. Allele origin: germline. Affected: yes.
Comment: Not observed at significant frequency in large population cohorts (gnomAD); In silico analysis supports that this missense variant does not alter protein structure/function; Has not been previously published as pathogenic or benign to our knowledge

Laboratory for Molecular Medicine, Mass General Brigham Personalized Medicine
Classification: Uncertain significance. Last evaluated: 2016-06-08. Review status: criteria provided, single submitter. Criteria: LMM Criteria. Collection method: clinical testing. Allele origin: germline. Observed: 1 variant allele.
Comment: The p.Lys585Glu variant in LARS2 has not been previously reported in individuals with hearing loss and was absent from large population studies. Computational p rediction tools and conservation analyses suggest that this variant may not impa ct the protein, though this information is not predictive enough to rule out pat hogenicity. In summary, the clinical significance of the p.Lys585Glu variant is uncertain.

NM_015340.4(LARS2):c.1753A>G (p.Lys585Glu)

Genes: LARS2 (leucyl-tRNA synthetase 2, mitochondrial; plus strand), LARS2-AS1 (LARS2 antisense RNA 1; minus strand). Cytogenetic location: 3p21.31.
Variant type: single nucleotide variant.
Coding change: c.1753A>G on transcript NM_015340.4 (MANE Select); coding-DNA position 1753, A replaced by G.
Protein change: p.Lys585Glu; replaces lysine 585 with glutamic acid.
Molecular consequence: missense variant.
Genome position (GRCh38, 1-based): chr3:45,500,572, A>G. VCF-style: chr3-45500572-A-G. GRCh37 (hg19) VCF-style: chr3-45542064-A-G.
Other names: c.1753A>G, p.Lys585Glu (NM_001368263.1); short protein forms K585E.
Identifiers: ClinVar variation 505077 (VCV000505077.5), dbSNP rs1181180156, ClinGen allele CA352427189.
Genomic context (GRCh38, chr3:45,500,572, plus strand): 5'-GTCATGCACTTGTTCTATGCAAGATTCTTTAGTCATTTTTGCCATGATCAAAAAATGGTT[A>G]AACATAGGTAAGCACTTATACTGCTTTGCAAAATAATTGAGTTCCATGAATAGCAACTTT-3'
Protein context (NP_056155.1, residues 575-595): SHFCHDQKMV[Lys585Glu]HREPFHKLLA